The following is an entry in ClinVar:

ClinVar aggregate classification (germline): Uncertain significance (1 of 4 stars; one submission).

Submission:

Women's Health and Genetics/Laboratory Corporation of America, LabCorp
Classification: Uncertain significance. Last evaluated: 2024-10-29. Review status: criteria provided, single submitter. Criteria: LabCorp Variant Classification Summary - May 2015. Collection method: clinical testing. Allele origin: germline.
Comment: Variant summary: ATP5F1A c.398G>C (p.Arg133Thr) results in a non-conservative amino acid change located in the ATPase, F1/V1/A1 complex, alpha/beta subunit, N-terminal domain (IPR004100) of the encoded protein sequence. Five of five in-silico tools predict a damaging effect of the variant on protein function. The variant was absent in 251128 control chromosomes. The available data on variant occurrences in the general population are insufficient to allow any conclusion about variant significance. To our knowledge, no occurrence of c.398G>C in individuals affected with ATP5F1A-Related Disorders and no experimental evidence demonstrating its impact on protein function have been reported. No submitters have cited clinical-significance assessments for this variant to ClinVar. Based on the evidence outlined above, the variant was classified as uncertain significance.

NM_004046.6(ATP5F1A):c.398G>C (p.Arg133Thr)

Gene: ATP5F1A (ATP synthase F1 subunit alpha; minus strand). Cytogenetic location: 18q21.1.
Variant type: single nucleotide variant.
Coding change: c.398G>C on transcript NM_004046.6 (MANE Select); coding-DNA position 398, G replaced by C.
Protein change: p.Arg133Thr; replaces arginine 133 with threonine.
Molecular consequence: missense variant.
Genome position (GRCh38, 1-based): chr18:46,089,908, C>G on the plus strand (G>C on the coding strand, the complement: ATP5F1A is on the minus strand). VCF-style: chr18-46089908-C-G. GRCh37 (hg19) VCF-style: chr18-43669874-C-G.
Other names: c.248G>C, p.Arg83Thr (NM_001001935.3, NM_001257335.2); c.398G>C, p.Arg133Thr (NM_001001937.2, NM_001257334.2); short protein forms R133T, R83T.
Identifiers: ClinVar variation 3384823 (VCV003384823.1).